The following is an entry in ClinVar:

NM_006206.6(PDGFRA):c.64C>G (p.Leu22Val)

Gene: PDGFRA (platelet derived growth factor receptor alpha; plus strand). Cytogenetic location: 4q12.
Variant type: single nucleotide variant.
Coding change: c.64C>G on transcript NM_006206.6 (MANE Select); coding-DNA position 64, C replaced by G.
Protein change: p.Leu22Val; replaces leucine 22 with valine.
Molecular consequence: missense variant.
Genome position (GRCh38, 1-based): chr4:54,261,109, C>G. VCF-style: chr4-54261109-C-G. GRCh37 (hg19) VCF-style: chr4-55127276-C-G.
Other names: c.64C>G, p.Leu22Val (NM_001347827.2, NM_001347829.2); c.139C>G, p.Leu47Val (NM_001347828.2); c.103C>G, p.Leu35Val (NM_001347830.2); short protein forms L22V, L47V, L35V.
Identifiers: ClinVar variation 2120997 (VCV002120997.4), dbSNP rs975510328, ClinGen allele CA356888171.
Genomic context (GRCh38, chr4:54,261,109, plus strand): 5'-TGTCCTTTCTGACTGCATCCTATTCAGAGCGTGCTTCCTTTTGCAGGGCTGAGCCTAATC[C>G]TCTGCCAGCTTTCATTACCCTCTATCCTTCCAAATGAAAATGAAAAGGTTGTGCAGCTGA-3'
Protein context (NP_006197.1, residues 12-32): GCLLTGLSLI[Leu22Val]CQLSLPSILP

ClinVar aggregate classification (germline): Uncertain significance (1 of 4 stars; one submission).

Conditions:
Gastrointestinal stromal tumor. Also called: Gastrointestinal stroma tumor; Gastrointestinal stromal tumor, somatic. Identifiers: Orphanet 44890, MedGen C0238198, MeSH D046152, MONDO:0011719, OMIM 606764, HP:0100723.

Submission:

Labcorp Genetics (formerly Invitae), Labcorp
Classification: Uncertain significance for Gastrointestinal stromal tumor. Last evaluated: 2022-04-03. Review status: criteria provided, single submitter. Criteria: Invitae Variant Classification Sherloc (09022015). Collection method: clinical testing. Allele origin: germline.
Comment: In summary, the available evidence is currently insufficient to determine the role of this variant in disease. Therefore, it has been classified as a Variant of Uncertain Significance. This sequence change replaces leucine, which is neutral and non-polar, with valine, which is neutral and non-polar, at codon 22 of the PDGFRA protein (p.Leu22Val). This variant is not present in population databases (gnomAD no frequency). This variant has not been reported in the literature in individuals affected with PDGFRA-related conditions. Algorithms developed to predict the effect of missense changes on protein structure and function output the following: SIFT: "Tolerated"; PolyPhen-2: "Benign"; Align-GVGD: "Class C0". The valine amino acid residue is found in multiple mammalian species, which suggests that this missense change does not adversely affect protein function.